The following is an entry in ClinVar:

NM_004172.5(SLC1A3):c.190C>T (p.Leu64Phe)

Gene: SLC1A3 (solute carrier family 1 member 3; plus strand). Cytogenetic location: 5p13.2.
Variant type: single nucleotide variant.
Coding change: c.190C>T on transcript NM_004172.5 (MANE Select); coding-DNA position 190, C replaced by T.
Protein change: p.Leu64Phe; replaces leucine 64 with phenylalanine.
Molecular consequence: missense variant. On other transcripts: intron variant (1).
Genome position (GRCh38, 1-based): chr5:36,629,458, C>T. VCF-style: chr5-36629458-C-T. GRCh37 (hg19) VCF-style: chr5-36629560-C-T.
Other names: c.190C>T, p.Leu64Phe (NM_001166695.3, NM_001289940.2); c.181+20854C>T (NM_001289939.2); short protein forms L64F.
Identifiers: ClinVar variation 1700413 (VCV001700413.3), dbSNP rs779437172, ClinGen allele CA359472934.

ClinVar aggregate classification (germline): Uncertain significance. Review status: criteria provided, multiple submitters, no conflicts (2 of 4 stars). 2 submissions from 2 submitters: Uncertain significance (2). Last evaluated 2026-09-09.

Conditions:
Inborn genetic diseases. Identifiers: MedGen C0950123, MeSH D030342.

Submissions (2):

Ambry Genetics
Classification: Uncertain significance for Inborn genetic diseases. Last evaluated: 2026-09-09. Review status: criteria provided, single submitter. Criteria: Ambry Variant Classification Scheme 2023. Collection method: clinical testing. Allele origin: germline.

GeneDx
Classification: Uncertain significance. Last evaluated: 2022-02-02. Review status: criteria provided, single submitter. Criteria: GeneDx Variant Classification Process June 2021. Collection method: clinical testing. Allele origin: germline. Affected: yes.
Comment: Not observed at significant frequency in large population cohorts (gnomAD); In silico analysis supports that this missense variant has a deleterious effect on protein structure/function; Has not been previously published as pathogenic or benign to our knowledge